The following is an entry in ClinVar:

NM_000059.4(BRCA2):c.8585T>C (p.Leu2862Pro)

Gene: BRCA2 (BRCA2 DNA repair associated; plus strand). Cytogenetic location: 13q13.1.
Variant type: single nucleotide variant.
Coding change: c.8585T>C on transcript NM_000059.4 (MANE Select); coding-DNA position 8585, T replaced by C.
Protein change: p.Leu2862Pro; replaces leucine 2862 with proline.
Molecular consequence: missense variant. On other transcripts: non-coding transcript variant (1).
Genome position (GRCh38, 1-based): chr13:32,371,053, T>C. VCF-style: chr13-32371053-T-C. GRCh37 (hg19) VCF-style: chr13-32945190-T-C.
Other names: c.8489T>C, p.Leu2830Pro (NM_001406719.1); c.8585T>C, p.Leu2862Pro (NM_001406720.1, NM_001432077.1); c.3653T>C, p.Leu1218Pro (NM_001406721.1); c.2168T>C, p.Leu723Pro (NM_001406722.1); short protein forms L1218P, L2830P, L2862P, L723P.
Identifiers: ClinVar variation 4531174 (VCV004531174.3).

ClinVar aggregate classification (germline): Uncertain significance. Review status: criteria provided, multiple submitters, no conflicts (2 of 4 stars). 3 submissions from 3 submitters: Uncertain significance (3). Last evaluated 2025-12-29.

Conditions:
Hereditary breast ovarian cancer syndrome. Also called: Hereditary breast and ovarian cancer syndrome; BRCA1- and BRCA2-Associated Hereditary Breast and Ovarian Cancer; Hereditary breast and ovarian cancer; Hereditary breast and ovarian cancer syndrome (HBOC); Breast and ovarian cancer; Hereditary breast and/or ovarian cancer syndrome. Identifiers: Orphanet 145, MedGen C0677776, MeSH D061325, MONDO:0003582. Disease mechanism: loss of function.
Familial cancer of breast. Also called: hereditary breast carcinoma; BREAST CANCER, FAMILIAL; Hereditary breast cancer. Identifiers: Orphanet 227535, MedGen C0346153, MONDO:0016419, OMIM 114480. Disease mechanism: loss of function.

Submissions (3):

Center for Genomic Medicine, Rigshospitalet, Copenhagen University Hospital
Classification: Uncertain significance. Last evaluated: 2025-12-29. Review status: criteria provided, single submitter. Criteria: ACMG Guidelines, 2015. Collection method: clinical testing. Allele origin: germline.

Department of Clinical Genetics, Copenhagen University Hospital, Rigshospitalet
Classification: Uncertain significance for Familial cancer of breast. Last evaluated: 2025-11-05. Review status: criteria provided, single submitter. Criteria: ACMG Guidelines, 2015. Collection method: clinical testing. Allele origin: germline.
Comment: The following ACMG criteria has been used: PM2_SUP; PP3

Labcorp Genetics (formerly Invitae), Labcorp
Classification: Uncertain significance for Hereditary breast ovarian cancer syndrome. Last evaluated: 2025-03-05. Review status: criteria provided, single submitter. Criteria: Invitae Variant Classification Sherloc (09022015). Collection method: clinical testing. Allele origin: germline.
Comment: This sequence change replaces leucine, which is neutral and non-polar, with proline, which is neutral and non-polar, at codon 2862 of the BRCA2 protein (p.Leu2862Pro). This variant is not present in population databases (gnomAD no frequency). This variant has not been reported in the literature in individuals affected with BRCA2-related conditions. Invitae Evidence Modeling of protein sequence and biophysical properties (such as structural, functional, and spatial information, amino acid conservation, physicochemical variation, residue mobility, and thermodynamic stability) indicates that this missense variant is not expected to disrupt BRCA2 protein function with a negative predictive value of 95%. Experimental studies are conflicting or provide insufficient evidence to determine the effect of this variant on BRCA2 function (PMID: 29394989). In summary, the available evidence is currently insufficient to determine the role of this variant in disease. Therefore, it has been classified as a Variant of Uncertain Significance.

Literature cited by the submitters: PubMed 29394989 (cited by Center for Genomic Medicine, Rigshospitalet, Copenhagen University Hospital and Labcorp Genetics (formerly Invitae), Labcorp); PubMed 29884841 (cited by Center for Genomic Medicine, Rigshospitalet, Copenhagen University Hospital); PubMed 39779857 (cited by Center for Genomic Medicine, Rigshospitalet, Copenhagen University Hospital).